The following is an entry in ClinVar:

NM_000091.5(COL4A3):c.4004del (p.Pro1335fs)

Genes: COL4A3 (collagen type IV alpha 3 chain; plus strand), MFF-DT (MFF divergent transcript; minus strand). Cytogenetic location: 2q36.3.
Variant type: Deletion.
Coding change: c.4004del on transcript NM_000091.5 (MANE Select); coding-DNA position 4004, one base deleted (C; older notation c.4004delC).
Protein change: p.Pro1335fs; shifts the reading frame from proline 1335.
Molecular consequence: frameshift variant.
Genome position (GRCh38, 1-based): chr2:227,303,907, C deleted; the last of 2 consecutive C bases (chr2:227,303,906-227,303,907); deleting either gives the same sequence. VCF-style (leftmost placement, unchanged base first): chr2-227303905-AC-A. GRCh37 (hg19) VCF-style: chr2-228168621-AC-A.
Other names: short protein forms P1335fs.
Identifiers: ClinVar variation 1726754 (VCV001726754.2), dbSNP rs2469909195, ClinGen allele CA2580066015.

ClinVar aggregate classification (germline): Likely pathogenic (1 of 4 stars; one submission).

Conditions:
Autosomal recessive Alport syndrome (ATS2). Also called: Alport syndrome type 2; COL4A4 Alport Syndrome and Thin Basement Membrane Nephropathy; ALPORT SYNDROME 2, AUTOSOMAL RECESSIVE; COL4A3-Related Nephropathy. Identifiers: Orphanet 63, Orphanet 88919, MedGen C4746745, MONDO:0008762, OMIM 203780.

Submission:

Myriad Genetics, Inc.
Classification: Likely pathogenic for Autosomal recessive Alport syndrome. Last evaluated: 2021-12-31. Review status: criteria provided, single submitter. Criteria: Myriad Women's Health Autosomal Recessive and X-Linked Classification Criteria (2021). Collection method: clinical testing. Allele origin: unknown.
Comment: NM_000091.4(COL4A3):c.4004delC(P1335Qfs*50) is expected to be pathogenic in the context of COL4A3-related Alport syndrome. This variant is predicted to lead to an abnormal or absent protein product due to the creation of a premature termination codon in COL4A3, a gene where loss-of-function variants are known to be pathogenic. Please note: this variant was assessed in the context of healthy population screening.